The following is an entry in ClinVar:

ClinVar aggregate classification (germline): Likely benign (1 of 4 stars; one submission).

Submission:

CeGaT Center for Human Genetics Tuebingen
Classification: Likely benign. Last evaluated: 2023-01-01. Review status: criteria provided, single submitter. Criteria: CeGaT Center For Human Genetics Tuebingen Variant Classification Criteria Version 2. Collection method: clinical testing. Allele origin: germline. Affected: yes. Observed: 1 variant allele.
Comment: DNAH1: PM2:Supporting, BP4, BP7

NM_015512.5(DNAH1):c.10686A>C (p.Ala3562=)

Gene: DNAH1 (dynein axonemal heavy chain 1; plus strand). Cytogenetic location: 3p21.1.
Variant type: single nucleotide variant.
Coding change: c.10686A>C on transcript NM_015512.5 (MANE Select); coding-DNA position 10686, A replaced by C.
Protein change: p.Ala3562=; no amino-acid change (alanine 3562 retained).
Molecular consequence: synonymous variant.
Genome position (GRCh38, 1-based): chr3:52,394,524, A>C. VCF-style: chr3-52394524-A-C. GRCh37 (hg19) VCF-style: chr3-52428540-A-C.
Identifiers: ClinVar variation 2653882 (VCV002653882.24), dbSNP rs2471292040, ClinGen allele CA433773171.
Genomic context (GRCh38, chr3:52,394,524, plus strand): 5'-GAGTGAGTGGCGATACCTCCTGTCTGGGGGCTCCATCTCGATCATGACTGAGAATCCGGC[A>C]CCGGACTGGCTGTCAGACCGGGCTTGGCGAGACATCCTAGCACTCTCGAACCTGCCAACC-3'
Protein context (NP_056327.4, residues 3552-3572): GSISIMTENP[Ala3562=]PDWLSDRAWR